The following is an entry in ClinVar:

ClinVar aggregate classification (germline): Uncertain significance (1 of 4 stars; one submission).

Submission:

Ambry Genetics
Classification: Uncertain significance. Last evaluated: 2023-10-13. Review status: criteria provided, single submitter. Criteria: Ambry Variant Classification Scheme 2023. Collection method: clinical testing. Allele origin: germline.
Comment: The p.Q513E variant (also known as c.1537C>G), located in coding exon 1 of the MLH3 gene, results from a C to G substitution at nucleotide position 1537. The glutamine at codon 513 is replaced by glutamic acid, an amino acid with highly similar properties. This amino acid position is conserved. In addition, this alteration is predicted to be tolerated by in silico analysis. Since supporting evidence is limited at this time, the clinical significance of this alteration remains unclear.

NM_001040108.2(MLH3):c.1537C>G (p.Gln513Glu)

Gene: MLH3 (mutL homolog 3; minus strand). Cytogenetic location: 14q24.3.
Variant type: single nucleotide variant.
Coding change: c.1537C>G on transcript NM_001040108.2 (MANE Select); coding-DNA position 1537, C replaced by G.
Protein change: p.Gln513Glu; replaces glutamine 513 with glutamic acid.
Molecular consequence: missense variant.
Genome position (GRCh38, 1-based): chr14:75,048,119, G>C on the plus strand (C>G on the coding strand, the complement: MLH3 is on the minus strand). VCF-style: chr14-75048119-G-C. GRCh37 (hg19) VCF-style: chr14-75514822-G-C.
Other names: c.1537C>G, p.Gln513Glu (NM_014381.3); short protein forms Q513E.
Identifiers: ClinVar variation 3232447 (VCV003232447.1), dbSNP rs2503292867, ClinGen allele CA390445162.